The following is an entry in ClinVar:

NM_002386.3(MC1R):c.-1016C>G

Gene: MC1R (melanocortin 1 receptor; plus strand). Cytogenetic location: 16q24.3.
Variant type: single nucleotide variant.
Coding change: c.-1016C>G on transcript NM_002386.3; 1016 bases upstream of the start codon, C replaced by G.
Genome position (GRCh38, 1-based): chr16:89,918,243, C>G. VCF-style: chr16-89918243-C-G. GRCh37 (hg19) VCF-style: chr16-89984651-C-G.
Identifiers: ClinVar variation 887814 (VCV000887814.6), dbSNP rs563638700, ClinGen allele CA286606967.

ClinVar aggregate classification (germline): Benign (1 of 4 stars; one submission).

Conditions:
Melanoma, cutaneous malignant, susceptibility to, 5. Also called: Cutaneous malignant melanoma 5. Identifiers: Orphanet 618, MedGen C2751295, MONDO:0013133, OMIM 613099.

Allele frequency attached by ClinVar (database versions not stated): 1000 Genomes Project 30x 0.00109; gnomAD exomes 0.00027; 1000 Genomes Project 0.00120; gnomAD 0.00025 and 0.00023; TOPMed 0.00029.

Submission:

Illumina Laboratory Services, Illumina
Classification: Benign for Melanoma, cutaneous malignant, susceptibility to, 5. Last evaluated: 2018-01-13. Review status: criteria provided, single submitter. Criteria: ICSL Variant Classification Criteria 13 December 2019. Collection method: clinical testing. Allele origin: germline.
Comment: This variant was observed in the ICSL laboratory as part of a predisposition screen in an ostensibly healthy population. It had not been previously curated by ICSL or reported in the Human Gene Mutation Database (HGMD: prior to June 1st, 2018), and was therefore a candidate for classification through an automated scoring system. Utilizing variant allele frequency, disease prevalence and penetrance estimates, and inheritance mode, an automated score was calculated to assess if this variant is too frequent to cause the disease. Based on the score and internal cut-off values, a variant classified as benign is not then subjected to further curation. The score for this variant resulted in a classification of benign for this disease.